The following is an entry in ClinVar:

NM_000054.7(AVPR2):c.878G>A (p.Trp293Ter)

Gene: AVPR2 (arginine vasopressin receptor 2; plus strand). Cytogenetic location: Xq28.
Variant type: single nucleotide variant.
Coding change: c.878G>A on transcript NM_000054.7 (MANE Select); coding-DNA position 878, G replaced by A.
Protein change: p.Trp293Ter; replaces tryptophan 293 with a stop codon.
Molecular consequence: nonsense. On other transcripts: non-coding transcript variant (1).
Genome position (GRCh38, 1-based): chrX:153,906,384, G>A. VCF-style: chrX-153906384-G-A. GRCh37 (hg19) VCF-style: chrX-153171838-G-A.
Other names: c.878G>A, p.Trp293Ter (NM_001146151.3); short protein forms W293*.
Identifiers: ClinVar variation 424624 (VCV000424624.3), dbSNP rs1064797077, ClinGen allele CA16621526.

ClinVar aggregate classification (germline): Pathogenic (1 of 4 stars; one submission).

Conditions:
Diabetes insipidus, nephrogenic, X-linked. Also called: Nephrogenic Diabetes Insipidus, Type I. Identifiers: Orphanet 223, MedGen C1563705, MONDO:0010581, OMIM 304800.

Submission:

GenePathDx, GenePath diagnostics
Classification: Pathogenic for Congenital X-linked nephrogenic diabetes insipidus. Last evaluated: 2016-10-01. Review status: criteria provided, single submitter. Criteria: GenePathDx_Criteria_classificationV2. Collection method: clinical testing. Allele origin: germline. Inheritance: X-linked recessive inheritance. Affected: yes. Observed: 1 variant allele.